The following is an entry in ClinVar:

NM_000444.6(PHEX):c.826A>T (p.Arg276Ter)

Gene: PHEX (phosphate regulating endopeptidase X-linked; plus strand). Cytogenetic location: Xp22.11.
Variant type: single nucleotide variant.
Coding change: c.826A>T on transcript NM_000444.6 (MANE Select); coding-DNA position 826, A replaced by T.
Protein change: p.Arg276Ter; replaces arginine 276 with a stop codon.
Molecular consequence: nonsense.
Genome position (GRCh38, 1-based): chrX:22,094,076, A>T. VCF-style: chrX-22094076-A-T. GRCh37 (hg19) VCF-style: chrX-22112194-A-T.
Other names: c.826A>T, p.Arg276Ter (NM_001282754.2); short protein forms R276*.
Identifiers: ClinVar variation 1339461 (VCV001339461.3), dbSNP rs2147040265, ClinGen allele CA412572461.
Genomic context (GRCh38, chrX:22,094,076, plus strand): 5'-ACTGCCGTGCTTTTAGGAGCTAACAGTTCCAGAGCAGAGCATGACATGAAGTCAGTGCTC[A>T]GATTGGAAATTAAGATAGCTGAGGTAAGTCTTCACTGAAAATCTCTTTCTTTCCTTTACT-3'

ClinVar aggregate classification (germline): Pathogenic (1 of 4 stars; one submission).

Conditions:
Hypophosphatemic rickets. Identifiers: MedGen C1704375, MeSH D063730, MONDO:0024300, HP:0004912.

Submission:

Laboratory of Cyto-molecular Genetics, Department of Anatomy, All India Institute of Medical Sciences (AIIMS), New Delhi
Classification: Pathogenic for Hypophosphatemic rickets. Last evaluated: 2022-02-07. Review status: criteria provided, single submitter. Criteria: ACMG Guidelines, 2015. Collection method: clinical testing. Allele origin: germline. Affected: yes. Observed: 2 variant alleles.
Comment: p.(Arg276*); nonsense variant

Literature cited by the submitters: PubMed 35738466.